The following is an entry in ClinVar:

ClinVar aggregate classification (germline): Conflicting classifications of pathogenicity. Review status: criteria provided, conflicting classifications (1 of 4 stars). 3 submissions from 3 submitters: Uncertain significance (2); Likely benign (1). Last evaluated 2025-05-27.

Conditions:
Inborn genetic diseases. Identifiers: MedGen C0950123, MeSH D030342.

Allele frequency attached by ClinVar (database versions not stated): gnomAD exomes below 0.00001.
gnomAD v4.1: 2 of 1,613,806 alleles (0.00012%); highest among the groups gnomAD compares: Non-Finnish European, 0.00017%; no homozygotes.

Submissions (3):

Labcorp Genetics (formerly Invitae), Labcorp
Classification: Uncertain significance. Last evaluated: 2025-05-27. Review status: criteria provided, single submitter. Criteria: Invitae Variant Classification Sherloc (09022015). Collection method: clinical testing. Allele origin: germline.
Comment: This sequence change replaces glutamine, which is neutral and polar, with arginine, which is basic and polar, at codon 2157 of the KMT2A protein (p.Gln2157Arg). This variant is not present in population databases (gnomAD no frequency). This variant has not been reported in the literature in individuals affected with KMT2A-related conditions. ClinVar contains an entry for this variant (Variation ID: 1303369). Invitae Evidence Modeling of protein sequence and biophysical properties (such as structural, functional, and spatial information, amino acid conservation, physicochemical variation, residue mobility, and thermodynamic stability) indicates that this missense variant is not expected to disrupt KMT2A protein function with a negative predictive value of 95%. In summary, the available evidence is currently insufficient to determine the role of this variant in disease. Therefore, it has been classified as a Variant of Uncertain Significance.

Ambry Genetics
Classification: Uncertain significance for Inborn genetic diseases. Last evaluated: 2025-05-20. Review status: criteria provided, single submitter. Criteria: Ambry Variant Classification Scheme 2023. Collection method: clinical testing. Allele origin: germline.

GeneDx
Classification: Likely benign. Last evaluated: 2023-06-15. Review status: criteria provided, single submitter. Criteria: GeneDx Variant Classification Process June 2021. Collection method: clinical testing. Allele origin: germline. Affected: yes.
Comment: See Variant Classification Assertion Criteria.

NM_001197104.2(KMT2A):c.6470A>G (p.Gln2157Arg)

Gene: KMT2A (lysine methyltransferase 2A; plus strand). Cytogenetic location: 11q23.3.
Variant type: single nucleotide variant.
Coding change: c.6470A>G on transcript NM_001197104.2 (MANE Select); coding-DNA position 6470, A replaced by G.
Protein change: p.Gln2157Arg; replaces glutamine 2157 with arginine.
Molecular consequence: missense variant.
Genome position (GRCh38, 1-based): chr11:118,501,822, A>G. VCF-style: chr11-118501822-A-G. GRCh37 (hg19) VCF-style: chr11-118372537-A-G.
Other names: c.6461A>G, p.Gln2154Arg (NM_005933.4); short protein forms Q2154R, Q2157R.
Identifiers: ClinVar variation 1303369 (VCV001303369.8), dbSNP rs2134381992, ClinGen allele CA382801956.